The following is an entry in ClinVar:

NM_024422.6(DSC2):c.662A>G (p.Tyr221Cys)

Gene: DSC2 (desmocollin 2; minus strand). Cytogenetic location: 18q12.1.
Variant type: single nucleotide variant.
Coding change: c.662A>G on transcript NM_024422.6 (MANE Select); coding-DNA position 662, A replaced by G.
Protein change: p.Tyr221Cys; replaces tyrosine 221 with cysteine.
Molecular consequence: missense variant.
Genome position (GRCh38, 1-based): chr18:31,087,782, T>C on the plus strand (A>G on the coding strand, the complement: DSC2 is on the minus strand). VCF-style: chr18-31087782-T-C. GRCh37 (hg19) VCF-style: chr18-28667745-T-C.
Other names: c.662A>G, p.Tyr221Cys (NM_004949.5); short protein forms Y221C.
Identifiers: ClinVar variation 924949 (VCV000924949.6), dbSNP rs1265924444, ClinGen allele CA402113044.

ClinVar aggregate classification (germline): Uncertain significance. Review status: criteria provided, multiple submitters, no conflicts (2 of 4 stars). 2 submissions from 2 submitters: Uncertain significance (2). Last evaluated 2024-03-06.

Conditions:
Cardiomyopathy (CMYO). Also called: Cardiomyopathies. Identifiers: Orphanet 167848, MedGen C0878544, MONDO:0004994, HP:0001638. Inheritance: Various modes of inheritance.

Allele frequency attached by ClinVar (database versions not stated): gnomAD exomes below 0.00001; TOPMed below 0.00001; gnomAD 0.00001.
gnomAD v4.1: 2 of 1,613,848 alleles (0.00012%); highest among the groups gnomAD compares: East Asian, 0.0022%; no homozygotes.

Submissions (2):

Color Diagnostics, LLC DBA Color Health
Classification: Uncertain significance for Cardiomyopathy. Last evaluated: 2024-03-06. Review status: criteria provided, single submitter. Criteria: ACMG Guidelines, 2015. Collection method: clinical testing. Allele origin: germline.
Comment: This missense variant replaces tyrosine with cysteine at codon 221 of the DSC2 protein. Computational prediction tool suggests that this variant may not impact protein structure and function (internally defined REVEL score threshold <=0.5, PMID: 27666373). Splice site prediction tools suggest that this variant may not impact RNA splicing. To our knowledge, functional studies have not been performed for this variant. This variant has not been reported in individuals affected with cardiovascular disorders in the literature. This variant has been identified in 1/31412 chromosomes in the general population by the Genome Aggregation Database (gnomAD). The available evidence is insufficient to determine the role of this variant in disease conclusively. Therefore, this variant is classified as a Variant of Uncertain Significance.

CHEO Genetics Diagnostic Laboratory, Children's Hospital of Eastern Ontario
Classification: Uncertain significance for Cardiomyopathy. Last evaluated: 2020-03-03. Review status: criteria provided, single submitter. Criteria: ACMG Guidelines, 2015. Collection method: clinical testing. Allele origin: germline.